The following is an entry in ClinVar:

NM_006947.4(SRP72):c.416C>T (p.Ser139Phe)

Gene: SRP72 (signal recognition particle 72; plus strand). Cytogenetic location: 4q12.
Variant type: single nucleotide variant.
Coding change: c.416C>T on transcript NM_006947.4 (MANE Select); coding-DNA position 416, C replaced by T.
Protein change: p.Ser139Phe; replaces serine 139 with phenylalanine.
Molecular consequence: missense variant. On other transcripts: non-coding transcript variant (1).
Genome position (GRCh38, 1-based): chr4:56,474,115, C>T. VCF-style: chr4-56474115-C-T. GRCh37 (hg19) VCF-style: chr4-57340281-C-T.
Other names: c.416C>T, p.Ser139Phe (NM_001267722.2); short protein forms S139F.
Identifiers: ClinVar variation 3962033 (VCV003962033.1).

ClinVar aggregate classification (germline): Uncertain significance (1 of 4 stars; one submission).

Submission:

Ambry Genetics
Classification: Uncertain significance. Last evaluated: 2025-03-20. Review status: criteria provided, single submitter. Criteria: Ambry Variant Classification Scheme 2023. Collection method: clinical testing. Allele origin: germline.
Comment: The p.S139F variant (also known as c.416C>T), located in coding exon 4 of the SRP72 gene, results from a C to T substitution at nucleotide position 416. The serine at codon 139 is replaced by phenylalanine, an amino acid with highly dissimilar properties. This amino acid position is conserved. In addition, the in silico prediction for this alteration is inconclusive. Based on the available evidence, the clinical significance of this variant remains unclear.